The following is an entry in ClinVar:

ClinVar aggregate classification (germline): Uncertain significance (1 of 4 stars; one submission).

Conditions:
Mendelian susceptibility to mycobacterial diseases due to complete ISG15 deficiency. Also called: IMMUNODEFICIENCY 38, MYCOBACTERIOSIS, AUTOSOMAL RECESSIVE; ISG15 DEFICIENCY, AUTOSOMAL RECESSIVE; Immunodeficiency 38 with basal ganglia calcification; Immunodeficiency 38. Identifiers: Orphanet 319563, MedGen C4015293, MONDO:0014502, OMIM 616126.

Submission:

Labcorp Genetics (formerly Invitae), Labcorp
Classification: Uncertain significance for Mendelian susceptibility to mycobacterial diseases due to complete ISG15 deficiency. Last evaluated: 2023-12-09. Review status: criteria provided, single submitter. Criteria: Invitae Variant Classification Sherloc (09022015). Collection method: clinical testing. Allele origin: germline.
Comment: This sequence change replaces threonine, which is neutral and polar, with lysine, which is basic and polar, at codon 6 of the ISG15 protein (p.Thr6Lys). This variant is not present in population databases (gnomAD no frequency). This variant has not been reported in the literature in individuals affected with ISG15-related conditions. ClinVar contains an entry for this variant (Variation ID: 1035971). Algorithms developed to predict the effect of missense changes on protein structure and function output the following: SIFT: "Not Available"; PolyPhen-2: "Benign"; Align-GVGD: "Not Available". The lysine amino acid residue is found in multiple mammalian species, which suggests that this missense change does not adversely affect protein function. In summary, the available evidence is currently insufficient to determine the role of this variant in disease. Therefore, it has been classified as a Variant of Uncertain Significance.

NM_005101.4(ISG15):c.17C>A (p.Thr6Lys)

Gene: ISG15 (ISG15 ubiquitin like modifier; plus strand). Cytogenetic location: 1p36.33.
Variant type: single nucleotide variant.
Coding change: c.17C>A on transcript NM_005101.4 (MANE Select); coding-DNA position 17, C replaced by A.
Protein change: p.Thr6Lys; replaces threonine 6 with lysine.
Molecular consequence: missense variant.
Genome position (GRCh38, 1-based): chr1:1,013,997, C>A. VCF-style: chr1-1013997-C-A. GRCh37 (hg19) VCF-style: chr1-949377-C-A.
Other names: short protein forms T6K.
Identifiers: ClinVar variation 1035971 (VCV001035971.10), dbSNP rs199853706, ClinGen allele CA337803404.
Genomic context (GRCh38, chr1:1,013,997, plus strand): 5'-GGCCTGGGGCTGGCGCCGCAGTCTCTGAACCTGTGTGACGCCTGCAGGGCTGGGACCTGA[C>A]GGTGAAGATGCTGGCGGGCAACGAATTCCAGGTGTCCCTGAGCAGCTCCATGTCGGTGTC-3'
Protein context (NP_005092.1, residues 1-16): MGWDL[Thr6Lys]VKMLAGNEFQ